The following is an entry in ClinVar:

ClinVar aggregate classification (germline): Uncertain significance (1 of 4 stars; one submission).

Conditions:
Primary ciliary dyskinesia. Also called: Ciliary dyskinesia. Identifiers: Orphanet 244, MedGen C0008780, MONDO:0016575, HP:0012265.

Submission:

Labcorp Genetics (formerly Invitae), Labcorp
Classification: Uncertain significance for Primary ciliary dyskinesia. Last evaluated: 2022-03-01. Review status: criteria provided, single submitter. Criteria: Invitae Variant Classification Sherloc (09022015). Collection method: clinical testing. Allele origin: germline.
Comment: This variant is not present in population databases (gnomAD no frequency). In summary, the available evidence is currently insufficient to determine the role of this variant in disease. Therefore, it has been classified as a Variant of Uncertain Significance. Algorithms developed to predict the effect of missense changes on protein structure and function output the following: SIFT: "Not Available"; PolyPhen-2: "Not Available"; Align-GVGD: "Not Available". The arginine amino acid residue is found in multiple mammalian species, which suggests that this missense change does not adversely affect protein function. This variant has not been reported in the literature in individuals affected with RPGR (ORF15)-related conditions. This sequence change replaces glycine, which is neutral and non-polar, with arginine, which is basic and polar, at codon 1067 of the RPGR (ORF15) protein (p.Gly1067Arg).

NM_001034853.2(RPGR):c.3199G>A (p.Gly1067Arg)

Gene: RPGR (retinitis pigmentosa GTPase regulator; minus strand). Cytogenetic location: Xp11.4.
Variant type: single nucleotide variant.
Coding change: c.3199G>A on transcript NM_001034853.2 (MANE Select); coding-DNA position 3199, G replaced by A.
Protein change: p.Gly1067Arg; replaces glycine 1067 with arginine.
Molecular consequence: missense variant. On other transcripts: intron variant (8).
Genome position (GRCh38, 1-based): chrX:38,285,800, C>T on the plus strand (G>A on the coding strand, the complement: RPGR is on the minus strand). VCF-style: chrX-38285800-C-T. GRCh37 (hg19) VCF-style: chrX-38145053-C-T.
Other names: c.1569+5159G>A (NM_001367249.1, NM_001367250.1); c.1902+1294G>A (NM_001367245.1); c.1386+5159G>A (NM_001367251.1); c.1719+1294G>A (NM_001367246.1); c.1572+5159G>A (NM_001367247.1); c.1905+1294G>A (NM_000328.3); c.1602+5159G>A (NM_001367248.1); short protein forms G1067R.
Identifiers: ClinVar variation 2105501 (VCV002105501.4), dbSNP rs747633561, ClinGen allele CA412728775.
Genomic context (GRCh38, chrX:38,285,800, plus strand): 5'-TTTTGTACTCCTCTCCATCCTGCCTTTCATTCTCTTCTTCGCCTGTCTCCTGATACTTCC[C>T]CTCTTCTTCCTCCTCCTCTTCTCTGTTCCTCCTGTTTTCTTCTCCTTCCCCCTCCTTTTC-3'
Protein context (NP_001030025.1, residues 1057-1077): RNREEEEEEE[Gly1067Arg]KYQETGEEEN